The following is an entry in ClinVar:

NM_000530.8(MPZ):c.*185A>G

Gene: MPZ (myelin protein zero; minus strand). Cytogenetic location: 1q23.3.
Variant type: single nucleotide variant.
Coding change: c.*185A>G on transcript NM_000530.8 (MANE Select); 185 bases downstream of the stop codon, A replaced by G.
Molecular consequence: 3 prime UTR variant. On other transcripts: missense variant (1).
Genome position (GRCh38, 1-based): chr1:161,305,691, T>C on the plus strand (A>G on the coding strand, the complement: MPZ is on the minus strand). VCF-style: chr1-161305691-T-C. GRCh37 (hg19) VCF-style: chr1-161275481-T-C.
Other names: c.932A>G, p.Asp311Gly (NM_001315491.2); short protein forms D311G.
Identifiers: ClinVar variation 5002482 (VCV005002482.1).
Genomic context (GRCh38, chr1:161,305,691, plus strand): 5'-AGAGGAGCCTAGGTCCCCCTGCTCTGGCAGGGCCTGGGGTGGGGGGGTGGCGATCACTTG[T>C]CCGAGTTCAGGCCCATCATGTTCTTGAGGGCGTTTTTGAGGCTGGTTCTGCTGGGGGACT-3'

ClinVar aggregate classification (germline): Uncertain significance (1 of 4 stars; one submission).

Conditions:
MPZ-related disorder. Also called: MPZ-related disorders; MPZ-related condition.

Submission:

PreventionGenetics, part of Exact Sciences
Classification: Uncertain significance for MPZ-related condition. Last evaluated: 2025-06-14. Review status: criteria provided, single submitter. Criteria: ACMG Guidelines, 2015. Collection method: clinical testing. Allele origin: germline.
Comment: The MPZ c.932A>G variant is predicted to result in the amino acid substitution p.Asp311Gly. To our knowledge, this variant has not been reported in the literature or in a large population database (gnomAD), indicating this variant is rare. At this time, the clinical significance of this variant is uncertain due to the absence of conclusive functional and genetic evidence.